The following is an entry in ClinVar:

ClinVar aggregate classification (germline): Uncertain significance (1 of 4 stars; one submission).

Allele frequency attached by ClinVar (database versions not stated): ExAC 0.00001.

Submission:

Ambry Genetics
Classification: Uncertain significance. Last evaluated: 2024-11-16. Review status: criteria provided, single submitter. Criteria: Ambry Variant Classification Scheme 2023. Collection method: clinical testing. Allele origin: germline.
Comment: The p.V1403I variant (also known as c.4207G>A), located in coding exon 4 of the ALPK2 gene, results from a G to A substitution at nucleotide position 4207. The valine at codon 1403 is replaced by isoleucine, an amino acid with highly similar properties. This amino acid position is conserved. In addition, this alteration is predicted to be tolerated by in silico analysis. Since supporting evidence is limited at this time, the clinical significance of this alteration remains unclear.

NM_052947.4(ALPK2):c.4207G>A (p.Val1403Ile)

Genes: ALPK2 (alpha kinase 2; minus strand), LOC126862764 (BRD4-independent group 4 enhancer GRCh37_chr18:56202574-56203773; plus strand). Cytogenetic location: 18q21.31.
Variant type: single nucleotide variant.
Coding change: c.4207G>A on transcript NM_052947.4 (MANE Select); coding-DNA position 4207, G replaced by A.
Protein change: p.Val1403Ile; replaces valine 1403 with isoleucine.
Molecular consequence: missense variant.
Genome position (GRCh38, 1-based): chr18:58,535,980, C>T on the plus strand (G>A on the coding strand, the complement: ALPK2 is on the minus strand). VCF-style: chr18-58535980-C-T. GRCh37 (hg19) VCF-style: chr18-56203212-C-T.
Other names: short protein forms V1403I.
Identifiers: ClinVar variation 1738695 (VCV001738695.3), dbSNP rs781461539, ClinGen allele CA8976753.